The following is an entry in ClinVar:

ClinVar aggregate classification (germline): Uncertain significance. Review status: criteria provided, multiple submitters, no conflicts (2 of 4 stars). 5 submissions from 4 submitters: Uncertain significance (5). Last evaluated 2024-03-30.

Conditions:
Ocular cystinosis. Also called: Non-Nephropathic (Ocular) Cystinosis; Non-Nephropathic Cystinosis. Identifiers: Orphanet 213, Orphanet 411641, MedGen C2931013, MONDO:0009064, OMIM 219750.
Juvenile nephropathic cystinosis. Also called: Later-Onset (Juvenile) Cystinosis; Intermediate Cystinosis; CYSTINOSIS, LATE-ONSET JUVENILE OR ADOLESCENT NEPHROPATHIC TYPE. Identifiers: Orphanet 213, Orphanet 411634, MedGen C0268626, MONDO:0009066, OMIM 219900.
Nephropathic cystinosis (CTNS). Also called: CYSTINOSIN, DEFECT OF; LYSOSOMAL CYSTINE TRANSPORT PROTEIN, DEFECT OF; Abderhalden Lignac Kaufmann disease; Abderhalden-Kaufmann-Lignac syndrome. Identifiers: Orphanet 213, Orphanet 411629, MedGen C2931187, MONDO:0100151, OMIM 219800.
Inborn genetic diseases. Identifiers: MedGen C0950123, MeSH D030342.

Allele frequency attached by ClinVar (database versions not stated): gnomAD exomes 0.00007 and 0.00012; ExAC 0.00008; TOPMed 0.00010; gnomAD 0.00011; ESP Exome Variant Server 0.00038.

Submissions (5):

Fulgent Genetics
Classification: Uncertain significance for Ocular cystinosis; Nephropathic cystinosis; Juvenile nephropathic cystinosis. Last evaluated: 2024-03-30. Review status: criteria provided, single submitter. Criteria: ACMG Guidelines, 2015. Collection method: clinical testing. Allele origin: germline.

Labcorp Genetics (formerly Invitae), Labcorp
Classification: Uncertain significance for Inborn genetic diseases; Ocular cystinosis; Juvenile nephropathic cystinosis. Last evaluated: 2022-03-18. Review status: criteria provided, single submitter. Criteria: Invitae Variant Classification Sherloc (09022015). Collection method: clinical testing. Allele origin: germline.
Comment: This sequence change replaces arginine, which is basic and polar, with cysteine, which is neutral and slightly polar, at codon 232 of the CTNS protein (p.Arg232Cys). This variant is present in population databases (rs138823792, gnomAD 0.03%). This variant has not been reported in the literature in individuals affected with CTNS-related conditions. ClinVar contains an entry for this variant (Variation ID: 322841). Algorithms developed to predict the effect of missense changes on protein structure and function are either unavailable or do not agree on the potential impact of this missense change (SIFT: "Deleterious"; PolyPhen-2: "Possibly Damaging"; Align-GVGD: "Class C15"). Algorithms developed to predict the effect of sequence changes on RNA splicing suggest that this variant may create or strengthen a splice site. In summary, the available evidence is currently insufficient to determine the role of this variant in disease. Therefore, it has been classified as a Variant of Uncertain Significance.

Ambry Genetics
Classification: Uncertain significance for Inborn genetic diseases. Last evaluated: 2021-10-06. Review status: criteria provided, single submitter. Criteria: Ambry Variant Classification Scheme 2023. Collection method: clinical testing. Allele origin: germline.

Illumina Laboratory Services, Illumina
Classification: Uncertain significance for Nephropathic cystinosis. Last evaluated: 2018-01-13. Review status: criteria provided, single submitter. Criteria: ICSL Variant Classification Criteria 13 December 2019. Collection method: clinical testing. Allele origin: germline.

Illumina Laboratory Services, Illumina
Classification: Uncertain significance for Ocular cystinosis. Last evaluated: 2018-01-13. Review status: criteria provided, single submitter. Criteria: ICSL Variant Classification Criteria 13 December 2019. Collection method: clinical testing. Allele origin: germline.

NM_004937.3(CTNS):c.694C>T (p.Arg232Cys)

Gene: CTNS (cystinosin, lysosomal cystine transporter; plus strand). Cytogenetic location: 17p13.2.
Variant type: single nucleotide variant.
Coding change: c.694C>T on transcript NM_004937.3 (MANE Select); coding-DNA position 694, C replaced by T.
Protein change: p.Arg232Cys; replaces arginine 232 with cysteine.
Molecular consequence: missense variant.
Genome position (GRCh38, 1-based): chr17:3,658,017, C>T. VCF-style: chr17-3658017-C-T. GRCh37 (hg19) VCF-style: chr17-3561311-C-T.
Other names: c.694C>T, p.Arg232Cys (NM_001031681.3, NM_001374492.1); c.253C>T, p.Arg85Cys (NM_001374493.1, NM_001374494.1, NM_001374495.1 and 1 more transcripts); short protein forms R232C, R85C.
Identifiers: ClinVar variation 322841 (VCV000322841.9), dbSNP rs138823792, ClinGen allele CA8291859.
Genomic context (GRCh38, chr17:3,658,017, plus strand): 5'-GCGTGGCCTCTGTGTGGGTCCACATCTCTGCCCTCCTCTCGCCCCCAGCGCGGTGGCCAG[C>T]GCGTGTCCTGGCCTGCCATCGGCTTCCTGGTGCTCGCGTGGCTCTTCGCATTTGTCACCA-3'
Protein context (NP_004928.2, residues 222-242): QCCLYERGGQ[Arg232Cys]VSWPAIGFLV